The following is an entry in ClinVar:

NM_000161.3(GCH1):c.748A>G (p.Ser250Gly)

Gene: GCH1 (GTP cyclohydrolase 1; minus strand). Cytogenetic location: 14q22.2.
Variant type: single nucleotide variant.
Coding change: c.748A>G on transcript NM_000161.3 (MANE Select); coding-DNA position 748, A replaced by G.
Protein change: p.Ser250Gly; replaces serine 250 with glycine.
Molecular consequence: missense variant. On other transcripts: intron variant (3).
Genome position (GRCh38, 1-based): chr14:54,844,022, T>C on the plus strand (A>G on the coding strand, the complement: GCH1 is on the minus strand). VCF-style: chr14-54844022-T-C. GRCh37 (hg19) VCF-style: chr14-55310740-T-C.
Other names: c.748A>G, p.Ser250Gly (NM_001024024.2); c.454A>G, p.Ser152Gly (NM_001424105.1); c.510-968A>G (NM_001424104.1); c.627-968A>G (NM_001024071.2); c.627-153A>G (NM_001024070.2); short protein forms S152G, S250G.
Identifiers: ClinVar variation 3364584 (VCV003364584.1).

ClinVar aggregate classification (germline): Uncertain significance (1 of 4 stars; one submission).

Submission:

GeneDx
Classification: Uncertain significance. Last evaluated: 2023-11-17. Review status: criteria provided, single submitter. Criteria: GeneDx Variant Classification Process June 2021. Collection method: clinical testing. Allele origin: germline. Affected: yes.
Comment: Not observed at significant frequency in large population cohorts (gnomAD); In silico analysis supports that this missense variant does not alter protein structure/function; Has not been previously published as pathogenic or benign to our knowledge